The following is an entry in ClinVar:

NM_000059.4(BRCA2):c.1943C>T (p.Ser648Leu)

Gene: BRCA2 (BRCA2 DNA repair associated; plus strand). Cytogenetic location: 13q13.1.
Variant type: single nucleotide variant.
Coding change: c.1943C>T on transcript NM_000059.4 (MANE Select); coding-DNA position 1943, C replaced by T.
Protein change: p.Ser648Leu; replaces serine 648 with leucine.
Molecular consequence: missense variant.
Genome position (GRCh38, 1-based): chr13:32,336,298, C>T. VCF-style: chr13-32336298-C-T. GRCh37 (hg19) VCF-style: chr13-32910435-C-T.
Other names: short protein forms S648L.
Identifiers: ClinVar variation 859271 (VCV000859271.10), dbSNP rs886040398, ClinGen allele CA387768384.

ClinVar aggregate classification (germline): Conflicting classifications of pathogenicity. Review status: criteria provided, conflicting classifications (1 of 4 stars). 3 submissions from 3 submitters: Uncertain significance (1); Likely benign (2). Last evaluated 2025-12-19.

Conditions:
Hereditary breast ovarian cancer syndrome. Also called: Hereditary breast and ovarian cancer; Breast and ovarian cancer; Hereditary breast and/or ovarian cancer syndrome; Hereditary breast and ovarian cancer syndrome; Hereditary breast and ovarian cancer syndrome (HBOC); BRCA1- and BRCA2-Associated Hereditary Breast and Ovarian Cancer. Identifiers: Orphanet 145, MedGen C0677776, MeSH D061325, MONDO:0003582. Disease mechanism: loss of function.
Hereditary cancer-predisposing syndrome. Also called: Tumor predisposition; Hereditary neoplastic syndrome; Neoplastic Syndromes, Hereditary; Hereditary Cancer Syndrome. Identifiers: Orphanet 140162, MedGen C0027672, MeSH D009386, MONDO:0015356.

Allele frequency attached by ClinVar (database versions not stated): gnomAD exomes below 0.00001; TOPMed below 0.00001; gnomAD 0.00001.
gnomAD v4.1: 1 of 1,603,094 alleles (0.000062%); highest among the groups gnomAD compares: Admixed American, 0.0017%; no homozygotes.

Submissions (3):

Labcorp Genetics (formerly Invitae), Labcorp
Classification: Uncertain significance for Hereditary breast ovarian cancer syndrome. Last evaluated: 2025-12-19. Review status: criteria provided, single submitter. Criteria: Invitae Variant Classification Sherloc (09022015). Collection method: clinical testing. Allele origin: germline.
Comment: This sequence change replaces serine, which is neutral and polar, with leucine, which is neutral and non-polar, at codon 648 of the BRCA2 protein (p.Ser648Leu). This variant is not present in population databases (gnomAD no frequency). This variant has not been reported in the literature in individuals affected with BRCA2-related conditions. ClinVar contains an entry for this variant (Variation ID: 859271). Invitae Evidence Modeling of protein sequence and biophysical properties (such as structural, functional, and spatial information, amino acid conservation, physicochemical variation, residue mobility, and thermodynamic stability) indicates that this missense variant is not expected to disrupt BRCA2 protein function with a negative predictive value of 95%. In summary, the available evidence is currently insufficient to determine the role of this variant in disease. Therefore, it has been classified as a Variant of Uncertain Significance.

Ambry Genetics
Classification: Likely benign for Hereditary cancer-predisposing syndrome. Last evaluated: 2025-09-12. Review status: criteria provided, single submitter. Criteria: Ambry Variant Classification Scheme 2023. Collection method: clinical testing. Allele origin: germline.

University of Washington Department of Laboratory Medicine, University of Washington
Classification: Likely benign for Hereditary cancer-predisposing syndrome. Last evaluated: 2023-03-23. Review status: criteria provided, single submitter. Criteria: Dines et al. (Genet Med. 2020). Collection method: curation. Allele origin: germline.
Comment: Missense variant in a coldspot region where missense variants are very unlikely to be pathogenic (PMID:31911673).

BRCA2 exon 11 coldspot. Reclassification based on statistical prior probability.